The following is an entry in ClinVar:

ClinVar aggregate classification (germline): Likely benign (1 of 4 stars; one submission).

Allele frequency attached by ClinVar (database versions not stated): TOPMed below 0.00001; gnomAD exomes 0.00002 and 0.00008; ExAC 0.00003; gnomAD 0.00003.
gnomAD v4.1: 36 of 1,611,888 alleles (0.0022%); highest among the groups gnomAD compares: South Asian, 0.0033%; no homozygotes.

Submission:

GeneDx
Classification: Likely benign. Last evaluated: 2016-11-08. Review status: criteria provided, single submitter. Criteria: GeneDx Variant Classification (06012015). Collection method: clinical testing. Allele origin: germline. Affected: yes.
Comment: This variant is considered likely benign or benign based on one or more of the following criteria: it is a conservative change, it occurs at a poorly conserved position in the protein, it is predicted to be benign by multiple in silico algorithms, and/or has population frequency not consistent with disease.

NM_001080449.3(DNA2):c.2358G>A (p.Gly786=)

Gene: DNA2 (DNA replication helicase/nuclease 2; minus strand). Cytogenetic location: 10q21.3.
Variant type: single nucleotide variant.
Coding change: c.2358G>A on transcript NM_001080449.3 (MANE Select); coding-DNA position 2358, G replaced by A.
Protein change: p.Gly786=; no amino-acid change (glycine 786 retained).
Molecular consequence: synonymous variant. On other transcripts: non-coding transcript variant (1).
Genome position (GRCh38, 1-based): chr10:68,422,741, C>T on the plus strand (G>A on the coding strand, the complement: DNA2 is on the minus strand). VCF-style: chr10-68422741-C-T. GRCh37 (hg19) VCF-style: chr10-70182498-C-T.
Identifiers: ClinVar variation 390556 (VCV000390556.1), dbSNP rs773533815, ClinGen allele CA5524843.